The following is an entry in ClinVar:

ClinVar aggregate classification (germline): Uncertain significance (1 of 4 stars; one submission).

Submission:

GeneDx
Classification: Uncertain significance. Last evaluated: 2026-04-16. Review status: criteria provided, single submitter. Criteria: GeneDx Variant Classification Process June 2021. Collection method: clinical testing. Allele origin: germline.
Comment: Not observed at significant frequency in large population cohorts (gnomAD); In-frame deletion of 4 amino acid(s) in a non-repeat region; In silico analysis supports a deleterious effect on protein structure/function; Has not been previously published as pathogenic or benign to our knowledge

NM_006565.4(CTCF):c.1908_1919del (p.Glu637_Pro640del)

Gene: CTCF (CCCTC-binding factor; plus strand). Cytogenetic location: 16q22.1.
Variant type: Deletion.
Coding change: c.1908_1919del on transcript NM_006565.4 (MANE Select); coding-DNA positions 1908 to 1919, 12 bases deleted (AGAGCCTCAGCC).
Protein change: p.Glu637_Pro640del.
Molecular consequence: inframe deletion.
Genome position (GRCh38, 1-based): chr16:67,636,760-67,636,771, AGAGCCTCAGCC deleted; deleting any 12 consecutive bases within chr16:67,636,756-67,636,771 gives the same sequence; the c. name uses the placement nearest the transcript's 3' end. VCF-style (leftmost placement, unchanged base first): chr16-67636755-GAGCCAGAGCCTC-G. GRCh37 (hg19) VCF-style: chr16-67670658-GAGCCAGAGCCTC-G.
Other names: c.924_935del, p.Glu309_Pro312del (NM_001191022.2); c.1908_1919del, p.Glu637_Pro640del (NM_001363916.2, NM_001438968.1, NM_001438969.1).
Identifiers: ClinVar variation 5037220 (VCV005037220.1).
Genomic context (GRCh38, chr16:67,636,755, plus strand): 5'-GCTGAACCAGATCTGGACGACAATGAGGATGAGGAGGAGCCTGCCGTAGAAATTGAACCT[GAGCCAGAGCCTC>G]AGCCTGTGACCCCAGCCCCACCACCCGCCAAGAAGCGGAGAGGACGACCCCCTGGCAGAA-3'